The following is an entry in ClinVar:

ClinVar aggregate classification (germline): Conflicting classifications of pathogenicity. Review status: criteria provided, conflicting classifications (1 of 4 stars). 3 submissions from 3 submitters: Likely pathogenic (1); Uncertain significance (2). Last evaluated 2026-01-05.

Conditions:
Thyroid dyshormonogenesis 6 (TDH6). Also called: HYPOTHYROIDISM, CONGENITAL, DUE TO DYSHORMONOGENESIS, 6; THYROID HORMONOGENESIS, GENETIC DEFECT IN, 6; Genetic transient congenital hypothyroidism. Identifiers: Orphanet 226316, Orphanet 95716, MedGen C1846632, MONDO:0011792, OMIM 607200.

Submissions (3):

Labcorp Genetics (formerly Invitae), Labcorp
Classification: Uncertain significance. Last evaluated: 2026-01-05. Review status: criteria provided, single submitter. Criteria: Invitae Variant Classification Sherloc (09022015). Collection method: clinical testing. Allele origin: germline.
Comment: This variant, c.3709_3711dup, results in the insertion of 1 amino acid(s) of the DUOX2 protein (p.Ser1237dup), but otherwise preserves the integrity of the reading frame. This variant is present in population databases (rs766871326, gnomAD 0.1%). This variant has been observed in individual(s) with congenital hypothryroidism (PMID: 34276565). It has also been observed to segregate with disease in related individuals. ClinVar contains an entry for this variant (Variation ID: 1988503). In summary, the available evidence is currently insufficient to determine the role of this variant in disease. Therefore, it has been classified as a Variant of Uncertain Significance.

Fulgent Genetics
Classification: Likely pathogenic for Thyroid dyshormonogenesis 6. Last evaluated: 2024-06-24. Review status: criteria provided, single submitter. Criteria: ACMG Guidelines, 2015. Collection method: clinical testing. Allele origin: germline.

Juno Genomics, Hangzhou Juno Genomics, Inc
Classification: Uncertain significance for Thyroid dyshormonogenesis 6. Review status: criteria provided, single submitter. Criteria: ACMG Guidelines, 2015. Collection method: clinical testing. Allele origin: germline.
Comment: Protein length changes due to in-frame deletions/insertions in a non-repeat region or stop-loss variants.;Co-segregation with disease in multiple affected family members.;Patient's phenotype or family history is highly specific for a disease with a single genetic etiology.

Literature cited by the submitters: PubMed 34276565 (cited by Labcorp Genetics (formerly Invitae), Labcorp).

NM_001363711.2(DUOX2):c.3709_3711dup (p.Ser1237_Tyr1238insSer)

Gene: DUOX2 (dual oxidase 2; minus strand). Cytogenetic location: 15q21.1.
Variant type: Duplication.
Coding change: c.3709_3711dup on transcript NM_001363711.2 (MANE Select); coding-DNA positions 3709 to 3711, 3 bases duplicated (AGC; older notation c.3709_3711dupAGC).
Protein change: p.Ser1237_Tyr1238insSer.
Molecular consequence: inframe insertion.
Genome position (GRCh38, 1-based): chr15:45,097,374-45,097,376, GCT duplicated on the plus strand (AGC on the coding strand, the reverse complement: DUOX2 is on the minus strand); duplicating any 3 consecutive bases within chr15:45,097,374-45,097,378 gives the same sequence; the c. name uses the placement nearest the transcript's 3' end. VCF-style (leftmost placement, unchanged base first): chr15-45097373-A-AGCT. GRCh37 (hg19) VCF-style: chr15-45389571-A-AGCT.
Other names: c.3709_3711dup, p.Ser1237_Tyr1238insSer (NM_014080.5); c.3709_3711dup (NM_014080.4).
Identifiers: ClinVar variation 1988503 (VCV001988503.6), dbSNP rs766871326, ClinGen allele CA7537744.